The following is an entry in ClinVar:

ClinVar aggregate classification (germline): Uncertain significance (1 of 4 stars; one submission).

Conditions:
Epilepsy, childhood absence, susceptibility to, 1. Also called: Epilepsy, childhood absence 1. Identifiers: Orphanet 64280, MedGen C1838604, MONDO:0020759, OMIM 600131.
Epilepsy, childhood absence, susceptibility to, 5. Identifiers: Orphanet 64280, MedGen C2677087, MONDO:0012843, OMIM 612269.

Submission:

Labcorp Genetics (formerly Invitae), Labcorp
Classification: Uncertain significance for Epilepsy, childhood absence, susceptibility to, 5; Epilepsy, childhood absence, susceptibility to, 1. Last evaluated: 2020-03-06. Review status: criteria provided, single submitter. Criteria: Invitae Variant Classification Sherloc (09022015). Collection method: clinical testing. Allele origin: germline.
Comment: In summary, the available evidence is currently insufficient to determine the role of this variant in disease. Therefore, it has been classified as a Variant of Uncertain Significance. Algorithms developed to predict the effect of missense changes on protein structure and function are either unavailable or do not agree on the potential impact of this missense change (SIFT: "Deleterious"; PolyPhen-2: "Possibly Damaging"; Align-GVGD: "Class C0"). This variant has not been reported in the literature in individuals with GABRB3-related conditions. This variant is not present in population databases (ExAC no frequency). This sequence change replaces isoleucine with valine at codon 300 of the GABRB3 protein (p.Ile300Val). The isoleucine residue is highly conserved and there is a small physicochemical difference between isoleucine and valine.

NM_000814.6(GABRB3):c.898A>G (p.Ile300Val)

Gene: GABRB3 (gamma-aminobutyric acid type A receptor subunit beta3; minus strand). Cytogenetic location: 15q12.
Variant type: single nucleotide variant.
Coding change: c.898A>G on transcript NM_000814.6 (MANE Select); coding-DNA position 898, A replaced by G.
Protein change: p.Ile300Val; replaces isoleucine 300 with valine.
Molecular consequence: missense variant.
Genome position (GRCh38, 1-based): chr15:26,561,114, T>C on the plus strand (A>G on the coding strand, the complement: GABRB3 is on the minus strand). VCF-style: chr15-26561114-T-C. GRCh37 (hg19) VCF-style: chr15-26806261-T-C.
Other names: c.643A>G, p.Ile215Val (NM_001191320.2, NM_001278631.2); c.685A>G, p.Ile229Val (NM_001191321.3); c.898A>G, p.Ile300Val (NM_021912.5); short protein forms I215V, I229V, I300V.
Identifiers: ClinVar variation 1009420 (VCV001009420.8), dbSNP rs1567106362, ClinGen allele CA391462185.